The following is an entry in ClinVar:

NM_025114.4(CEP290):c.4812+6A>T

Gene: CEP290 (centrosomal protein 290; minus strand). Cytogenetic location: 12q21.32.
Variant type: single nucleotide variant.
Coding change: c.4812+6A>T on transcript NM_025114.4 (MANE Select); 6 bases into the intron after coding-DNA position 4812, A replaced by T.
Molecular consequence: intron variant.
Genome position (GRCh38, 1-based): chr12:88,083,841, T>A on the plus strand (A>T on the coding strand, the complement: CEP290 is on the minus strand). VCF-style: chr12-88083841-T-A. GRCh37 (hg19) VCF-style: chr12-88477618-T-A.
Identifiers: ClinVar variation 991335 (VCV000991335.7), dbSNP rs769525877, ClinGen allele CA6711860.

ClinVar aggregate classification (germline): Uncertain significance. Review status: criteria provided, multiple submitters, no conflicts (2 of 4 stars). 4 submissions from 4 submitters: Uncertain significance (3). 1 of the submissions does not count toward it. Last evaluated 2024-05-10.

Conditions:
Meckel-Gruber syndrome. Also called: Dysencephalia splachnocystica; DYSENCEPHALIA SPLANCHNOCYSTICA; GRUBER SYNDROME. Identifiers: Orphanet 564, MedGen C0265215, MONDO:0018921.
Nephronophthisis. Also called: Juvenile Nephronophthisis. Identifiers: Orphanet 655, MedGen C0687120, MONDO:0019005, HP:0000090.
Joubert syndrome. Also called: Familial aplasia of the vermis; CEREBELLOPARENCHYMAL DISORDER IV; JOUBERT-BOLTSHAUSER SYNDROME. Identifiers: Orphanet 475, MedGen C5979921, MONDO:0018772.
Joubert syndrome 5 (JBTS5). Identifiers: Orphanet 2318, MedGen C1857780, MONDO:0012432, OMIM 610188.
Leber congenital amaurosis 10 (LCA10). Identifiers: Orphanet 65, MedGen C1857821, MONDO:0012723, OMIM 611755.
Bardet-Biedl syndrome 14 (BBS14). Identifiers: Orphanet 110, MedGen C2673874, MONDO:0014442, OMIM 615991.
Meckel syndrome, type 4 (MKS4). Also called: MECKEL-GRUBER SYNDROME, TYPE 4. Identifiers: Orphanet 564, MedGen C1970161, MONDO:0012626, OMIM 611134.
Senior-Loken syndrome 6 (SLSN6). Identifiers: Orphanet 3156, MedGen C1857779, MONDO:0012433, OMIM 610189.
Leber congenital amaurosis (LCA). Also called: Leber's amaurosis. Identifiers: Orphanet 65, MedGen C0339527, MeSH D057130, MONDO:0018998.

Allele frequency attached by ClinVar (database versions not stated): gnomAD 0.00001; gnomAD exomes 0.00001 and 0.00002; ExAC 0.00002; TOPMed 0.00002.
gnomAD v4.1: 5 of 1,526,110 alleles (0.00033%); highest among the groups gnomAD compares: Admixed American, 0.0096%; no homozygotes.

Submissions (4):

Fulgent Genetics
Classification: Uncertain significance for Joubert syndrome 5; Senior-Loken syndrome 6; Meckel syndrome, type 4; Leber congenital amaurosis 10; Bardet-Biedl syndrome 14. Last evaluated: 2024-05-10. Review status: criteria provided, single submitter. Criteria: ACMG Guidelines, 2015. Collection method: clinical testing. Allele origin: germline.

Women's Health and Genetics/Laboratory Corporation of America, LabCorp
Classification: Uncertain significance. Last evaluated: 2024-03-28. Review status: criteria provided, single submitter. Criteria: LabCorp Variant Classification Summary - May 2015. Collection method: clinical testing. Allele origin: germline.

Labcorp Genetics (formerly Invitae), Labcorp
Classification: Uncertain significance for Joubert syndrome; Meckel-Gruber syndrome; Nephronophthisis. Last evaluated: 2022-10-04. Review status: criteria provided, single submitter. Criteria: Invitae Variant Classification Sherloc (09022015). Collection method: clinical testing. Allele origin: germline.
Comment: This sequence change falls in intron 36 of the CEP290 gene. It does not directly change the encoded amino acid sequence of the CEP290 protein. It affects a nucleotide within the consensus splice site. This variant is present in population databases (rs769525877, gnomAD 0.02%). This variant has not been reported in the literature in individuals affected with CEP290-related conditions. ClinVar contains an entry for this variant (Variation ID: 991335). Variants that disrupt the consensus splice site are a relatively common cause of aberrant splicing (PMID: 17576681, 9536098). Algorithms developed to predict the effect of sequence changes on RNA splicing suggest that this variant is not likely to affect RNA splicing. In summary, the available evidence is currently insufficient to determine the role of this variant in disease. Therefore, it has been classified as a Variant of Uncertain Significance.

Natera, Inc.
Classification: Uncertain significance for Leber congenital amaurosis. Last evaluated: 2020-04-17. Review status: no assertion criteria provided. Collection method: clinical testing. Allele origin: germline. Not counted in ClinVar's aggregate classification.

Literature cited by the submitters: PubMed 17576681 (cited by Labcorp Genetics (formerly Invitae), Labcorp); PubMed 9536098 (cited by Labcorp Genetics (formerly Invitae), Labcorp).